The following is an entry in ClinVar:

NM_000186.4(CFH):c.3565C>T (p.Leu1189Phe)

Gene: CFH (complement factor H; plus strand). Cytogenetic location: 1q31.3.
Variant type: single nucleotide variant.
Coding change: c.3565C>T on transcript NM_000186.4 (MANE Select); coding-DNA position 3565, C replaced by T.
Protein change: p.Leu1189Phe; replaces leucine 1189 with phenylalanine.
Molecular consequence: missense variant.
Genome position (GRCh38, 1-based): chr1:196,747,182, C>T. VCF-style: chr1-196747182-C-T. GRCh37 (hg19) VCF-style: chr1-196716312-C-T.
Other names: p.Leu1189Phe; short protein forms L1189F.
Identifiers: ClinVar variation 1693716 (VCV001693716.9), dbSNP rs2149118712, ClinGen allele CA343987618.

ClinVar aggregate classification (germline): Conflicting classifications of pathogenicity. Review status: criteria provided, conflicting classifications (1 of 4 stars). 4 submissions from 4 submitters: Likely pathogenic (3); Uncertain significance (1). Last evaluated 2026-09-17.

Conditions:
Atypical hemolytic-uremic syndrome. Identifiers: Orphanet 2134, MedGen C2931788, MONDO:0016244.
Hemolytic uremic syndrome, atypical, susceptibility to, 1. Also called: AHUS, SUSCEPTIBILITY TO, 1. Identifiers: Orphanet 2134, Orphanet 90038, MedGen C2749604, MONDO:0009335, OMIM 235400. Disease mechanism: Other.

Submissions (4):

Genomenon, Inc
Classification: Likely pathogenic for Atypical hemolytic-uremic syndrome. Last evaluated: 2026-09-17. Review status: criteria provided, single submitter. Criteria: Genomenon Sequence Variant Interpretation Standards - Updated. Collection method: curation. Allele origin: germline. Affected: yes.
Comment: CFH p.Leu1189Phe (c.3565C>T) is a missense variant that changes the amino acid at codon 1189 from leucine to phenylalanine. This variant has been observed in at least one proband affected with atypical hemolytic-uremic syndrome (PMID: 20513133; 15140578; 27064621; 24933457). At least one functional study has demonstrated a substantial alteration in protein function relative to the wild-type (PMID: 19454698). It is absent or not present at a significant frequency in gnomAD. In silico models predict that this variant is not damaging. In conclusion, we classify CFH p.Leu1189Phe (c.3565C>T) as a likely pathogenic variant.

Women's Health and Genetics/Laboratory Corporation of America, LabCorp
Classification: Likely pathogenic for atypical hemolytic-uremic syndrome. Last evaluated: 2026-04-29. Review status: criteria provided, single submitter. Criteria: LabCorp Variant Classification Summary - May 2015. Collection method: clinical testing. Allele origin: germline.
Comment: Variant summary: CFH c.3565C>T (p.Leu1189Phe) results in a non-conservative amino acid change located in the Sushi/SCR/CCP domain (IPR000436) of the encoded protein sequence. Four of five in-silico tools predict a benign effect of the variant on protein function. The variant was absent in 251152 control chromosomes. c.3565C>T has been reported in the literature in heterozygous individuals affected with autosomal dominant Atypical Hemolytic Uremic Syndrome in settings of mutli-gene panel testing (examples: Esparza-Gordillo_2005, Maga_2010, Matar_2014, Zhang_2016, Wu_2021). These data indicate that the variant is likely to be associated with disease. Multiple publications report experimental evidence evaluating an impact on protein function. The most pronounced variant effect results in 10%-<30% of normal activity, showing a significant loss of ability to inhibit complement-mediated inflammation on platelets or erythrocytes (Ferreira_2009, Blatt_2017). The following publications have been ascertained in the context of this evaluation (PMID: 29218045, 15661753, 19454698, 16601698, 20513133, 24933457, 33873197, 27064621, 21317894). ClinVar contains an entry for this variant (Variation ID: 1693716). Based on the evidence outlined above, the variant was classified as likely pathogenic.

Clinical Genomics Laboratory, Washington University in St. Louis
Classification: Likely pathogenic for Hemolytic uremic syndrome, atypical, susceptibility to, 1. Last evaluated: 2024-04-09. Review status: criteria provided, single submitter. Criteria: ACMG Guidelines, 2015. Collection method: clinical testing. Allele origin: germline. Affected: yes.
Comment: The CFH c.3565C>T (p.Leu1189Phe) variant has been reported in numerous individuals affected with atypical hemolytic uremic syndrome (Wu D et al., PMID: 33873197; Zhang T et al., PMID: 27064621; Hirt-Minkowski P et al., PMID: 20090363; Kavanagh D et al., PMID: 16968692; Maga TK et al., PMID: 20513133; Esparza-Gordillo, J et al., PMID: 15661753). This variant has been reported in the ClinVar database as a likely pathogenic variant by one submitter and as a variant of uncertain significance by one submitter (ClinVar Variation ID: 1693716) and is absent from the general population (gnomAD v.2.1.1), indicating it is not a common variant. The CFH c.3565C>T (p.Leu1189Phe) variant is located within the critical CCP 20 domain of CFH, a domain essential for binding to endothelial cells and basement membranes (Zhang T et al., PMID: 27064621; Hirt-Minkowski P et al., PMID: 20090363; Kavanagh D et al., PMID: 16968692; Maga TK, et al., PMID: 20513133). Another variant in the same codon, CFH c.3566T>G (p.Leu1189Arg) has been reported in individuals with atypical hemolytic uremic syndrome, and is considered pathogenic (Hirt-Minkowski P et al.,PMID: 20090363; Kavanagh D et al., PMID: 16968692). Functional in vitro studies have shown that this variant results in decreased affinity for critical binding partners such as glycosaminoglycans and C3b, leading to overactivation of the complement system, particularly affecting the kidneys (Esparza-Gordillo J et al., PMID: 15661753; Ferreira VP et al., PMID: 20580090). Based on the available information, and based on ACMG/AMP guidelines for variant interpretation (Richards S et al., PMID: 25741868), this variant is classified as likely pathogenic.

Mayo Clinic Laboratories, Mayo Clinic
Classification: Uncertain significance. Last evaluated: 2021-06-16. Review status: criteria provided, single submitter. Criteria: ACMG Guidelines, 2015. Collection method: clinical testing. Allele origin: germline.

Literature cited by the submitters: PubMed 20513133 (cited by Genomenon, Inc and Women's Health and Genetics/Laboratory Corporation of America, LabCorp); PubMed 15140578 (cited by Genomenon, Inc); PubMed 27064621 (cited by Genomenon, Inc and Women's Health and Genetics/Laboratory Corporation of America, LabCorp); PubMed 24933457 (cited by Genomenon, Inc and Women's Health and Genetics/Laboratory Corporation of America, LabCorp); PubMed 19454698 (cited by Genomenon, Inc and Women's Health and Genetics/Laboratory Corporation of America, LabCorp); PubMed 16601698 (cited by Women's Health and Genetics/Laboratory Corporation of America, LabCorp); PubMed 15661753 (cited by Women's Health and Genetics/Laboratory Corporation of America, LabCorp); PubMed 29218045 (cited by Women's Health and Genetics/Laboratory Corporation of America, LabCorp); PubMed 33873197 (cited by Women's Health and Genetics/Laboratory Corporation of America, LabCorp); PubMed 21317894 (cited by Women's Health and Genetics/Laboratory Corporation of America, LabCorp).